The following is an entry in ClinVar:

ClinVar aggregate classification (germline): Benign. Review status: reviewed by expert panel (3 of 4 stars). 5 submissions from 5 submitters: Benign (1). 4 of the submissions do not count toward it. Last evaluated 2025-05-20.

Conditions:
RPGR-related retinopathy. Also called: RPGR retinopathy. Identifiers: MedGen CN305589, MONDO:0100437.
Primary ciliary dyskinesia. Also called: Ciliary dyskinesia. Identifiers: Orphanet 244, MedGen C0008780, MONDO:0016575, HP:0012265.

Submissions (5):

ClinGen X-linked Inherited Retinal Disease Variant Curation Expert Panel, ClinGen
Classification: Benign for RPGR-related retinopathy. Last evaluated: 2025-05-20. Review status: reviewed by expert panel. Criteria: ClinGen X LinkedIRD ACMG Specifications RPGR V1.0.0. Collection method: curation. Allele origin: germline. Inheritance: X-linked inheritance.
Comment: NM_001034853.2(RPGR):c.2820_2840dup (p.Asp943_Glu949dup) is a short in-frame insertion of 21 base pairs that encode additional residues between amino acids 947 and 948 within a low-complexity region (PMID: 27162334) that extends approximately from amino acids 787–1043 in RPGR (BP3). This variant is present in gnomAD v.4.1.0 at a frequency of 0.04787 among hemizygous individuals, with 23,809 variant alleles / 596,268 total alleles, which is higher than the ClinGen X-linked IRD VCEP BA1 threshold of >0.00005 (BA1). In summary, this variant is classified as benign for RPGR-related retinopathy based on the ClinGen X-linked Inherited Retinal Disease Expert Panel Specifications to the ACMG/AMP Variant Interpretation Guidelines for RPGR Version 1.0.0; BA1 and BP3. (date of approval 05/16/2025).

Labcorp Genetics (formerly Invitae), Labcorp
Classification: Benign for Primary ciliary dyskinesia. Last evaluated: 2026-02-04. Review status: criteria provided, single submitter. Criteria: Invitae Variant Classification Sherloc (09022015). Collection method: clinical testing. Allele origin: germline. Not counted in ClinVar's aggregate classification.

Blueprint Genetics
Classification: Likely benign. Last evaluated: 2024-11-28. Review status: criteria provided, single submitter. Criteria: ACMG Guidelines, 2015. Collection method: clinical testing. Allele origin: germline. Not counted in ClinVar's aggregate classification.

GeneDx
Classification: Benign. Last evaluated: 2019-10-04. Review status: criteria provided, single submitter. Criteria: GeneDx Variant Classification Process June 2021. Collection method: clinical testing. Allele origin: germline. Affected: yes. Not counted in ClinVar's aggregate classification.

PreventionGenetics, part of Exact Sciences
Classification: Benign. Last evaluated: 2017-06-16. Review status: criteria provided, single submitter. Criteria: ACMG Guidelines, 2015. Collection method: clinical testing. Allele origin: germline. Not counted in ClinVar's aggregate classification.

NM_001034853.2(RPGR):c.2820_2840dup (p.Asp943_Glu949dup)

Gene: RPGR (retinitis pigmentosa GTPase regulator; minus strand). Cytogenetic location: Xp11.4.
Variant type: Duplication.
Coding change: c.2820_2840dup on transcript NM_001034853.2 (MANE Select); coding-DNA positions 2820 to 2840, 21 bases duplicated (AGGGGAGGATGGAGAAGGGGA).
Protein change: p.Asp943_Glu949dup.
Molecular consequence: inframe insertion. On other transcripts: intron variant (8).
Genome position (GRCh38, 1-based): chrX:38,286,159-38,286,179, TCCCCTTCTCCATCCTCCCCT duplicated on the plus strand (AGGGGAGGATGGAGAAGGGGA on the coding strand, the reverse complement: RPGR is on the minus strand); duplicating any 21 consecutive bases within chrX:38,286,159-38,286,190 gives the same sequence; the c. name uses the placement nearest the transcript's 3' end. VCF-style (leftmost placement, unchanged base first): chrX-38286158-C-CTCCCCTTCTCCATCCTCCCCT. GRCh37 (hg19) VCF-style: chrX-38145411-C-CTCCCCTTCTCCATCCTCCCCT.
Other names: NM_001034853.2(RPGR):c.2820_2840dup; p.Asp943_Glu949dup; c.1569+4780_1569+4800dup (NM_001367249.1, NM_001367250.1); c.1902+915_1902+935dup (NM_001367245.1); c.1386+4780_1386+4800dup (NM_001367251.1); c.1719+915_1719+935dup (NM_001367246.1); c.1572+4780_1572+4800dup (NM_001367247.1); c.1905+915_1905+935dup (NM_000328.3); and 1 more.
Identifiers: ClinVar variation 1267917 (VCV001267917.13), dbSNP rs764268405, ClinGen allele CA10385244.